The following is an entry in ClinVar:

NM_000059.4(BRCA2):c.1400A>G (p.Lys467Arg)

Gene: BRCA2 (BRCA2 DNA repair associated; plus strand). Cytogenetic location: 13q13.1.
Variant type: single nucleotide variant.
Coding change: c.1400A>G on transcript NM_000059.4 (MANE Select); coding-DNA position 1400, A replaced by G.
Protein change: p.Lys467Arg; replaces lysine 467 with arginine.
Molecular consequence: missense variant.
Genome position (GRCh38, 1-based): chr13:32,332,878, A>G. VCF-style: chr13-32332878-A-G. GRCh37 (hg19) VCF-style: chr13-32907015-A-G.
Other names: short protein forms K467R.
Identifiers: ClinVar variation 462233 (VCV000462233.12), dbSNP rs1555281893, ClinGen allele CA387764150.

ClinVar aggregate classification (germline): Conflicting classifications of pathogenicity. Review status: criteria provided, conflicting classifications (1 of 4 stars). 4 submissions from 4 submitters: Uncertain significance (3); Likely benign (1). Last evaluated 2024-10-09.

Conditions:
Breast and/or ovarian cancer. Identifiers: MedGen CN221562.
Hereditary breast ovarian cancer syndrome. Also called: Hereditary breast and ovarian cancer syndrome (HBOC); Hereditary breast and ovarian cancer syndrome; Breast and ovarian cancer; Hereditary breast and/or ovarian cancer syndrome; Hereditary breast and ovarian cancer; BRCA1- and BRCA2-Associated Hereditary Breast and Ovarian Cancer. Identifiers: Orphanet 145, MedGen C0677776, MeSH D061325, MONDO:0003582. Disease mechanism: loss of function.
Hereditary cancer-predisposing syndrome. Also called: Neoplastic Syndromes, Hereditary; Hereditary Cancer Syndrome; Hereditary neoplastic syndrome; Tumor predisposition. Identifiers: Orphanet 140162, MedGen C0027672, MeSH D009386, MONDO:0015356.

Submissions (4):

Labcorp Genetics (formerly Invitae), Labcorp
Classification: Uncertain significance for Hereditary breast ovarian cancer syndrome. Last evaluated: 2024-10-09. Review status: criteria provided, single submitter. Criteria: Invitae Variant Classification Sherloc (09022015). Collection method: clinical testing. Allele origin: germline.
Comment: This sequence change replaces lysine, which is basic and polar, with arginine, which is basic and polar, at codon 467 of the BRCA2 protein (p.Lys467Arg). This variant is not present in population databases (gnomAD no frequency). This missense change has been observed in individual(s) with breast and/or ovarian cancer and breast cancer (PMID: 15800311, 21520333, 35731312). ClinVar contains an entry for this variant (Variation ID: 462233). Invitae Evidence Modeling of protein sequence and biophysical properties (such as structural, functional, and spatial information, amino acid conservation, physicochemical variation, residue mobility, and thermodynamic stability) indicates that this missense variant is not expected to disrupt BRCA2 protein function with a negative predictive value of 95%. In summary, the available evidence is currently insufficient to determine the role of this variant in disease. Therefore, it has been classified as a Variant of Uncertain Significance.

Ambry Genetics
Classification: Uncertain significance for Hereditary cancer-predisposing syndrome. Last evaluated: 2023-12-19. Review status: criteria provided, single submitter. Criteria: Ambry Variant Classification Scheme 2023. Collection method: clinical testing. Allele origin: germline.
Comment: The p.K467R variant (also known as c.1400A>G), located in coding exon 9 of the BRCA2 gene, results from an A to G substitution at nucleotide position 1400. The lysine at codon 467 is replaced by arginine, an amino acid with highly similar properties. This alteration was detected in a cohort of 70 Dutch breast and/or ovarian cancer patients (G&oacute;mez-Garc&iacute;a EB et al. J Clin Oncol, 2005 Apr;23:2185-90), and in a cohort of 133 unselected Burkina Faso breast cancer patients (Ouedraogo SY et al. Mol Genet Genomics, 2022 Sep;297:1257-1268). This amino acid position is not well conserved in available vertebrate species. In addition, this alteration is predicted to be tolerated by in silico analysis. Since supporting evidence is limited at this time, the clinical significance of this alteration remains unclear.

University of Washington Department of Laboratory Medicine, University of Washington
Classification: Likely benign for Hereditary cancer-predisposing syndrome. Last evaluated: 2023-03-23. Review status: criteria provided, single submitter. Criteria: Dines et al. (Genet Med. 2020). Collection method: curation. Allele origin: germline.
Comment: Missense variant in a coldspot region where missense variants are very unlikely to be pathogenic (PMID:31911673).

BRCA2 exon 10 coldspot. Reclassification based on statistical prior probability.

CHEO Genetics Diagnostic Laboratory, Children's Hospital of Eastern Ontario
Classification: Uncertain significance for Breast and/or ovarian cancer. Last evaluated: 2022-05-03. Review status: criteria provided, single submitter. Criteria: ACMG Guidelines, 2015. Collection method: clinical testing. Allele origin: germline.

Literature cited by the submitters: PubMed 15800311 (cited by Labcorp Genetics (formerly Invitae), Labcorp and Ambry Genetics); PubMed 21520333 (cited by Labcorp Genetics (formerly Invitae), Labcorp); PubMed 35731312 (cited by Labcorp Genetics (formerly Invitae), Labcorp and Ambry Genetics).